The following is an entry in ClinVar:

ClinVar aggregate classification (germline): Uncertain significance. Review status: criteria provided, multiple submitters, no conflicts (2 of 4 stars). 2 submissions from 2 submitters: Uncertain significance (2). Last evaluated 2025-10-26.

Conditions:
Facioscapulohumeral muscular dystrophy 2 (FSHD2). Also called: MUSCULAR DYSTROPHY, FACIOSCAPULOHUMERAL, TYPE 1B; FACIOSCAPULOHUMERAL MUSCULAR DYSTROPHY 2, DIGENIC; FSHD2, DIGENIC. Identifiers: Orphanet 269, MedGen C1834671, MONDO:0008031, OMIM 158901.
Inborn genetic diseases. Identifiers: MedGen C0950123, MeSH D030342.

Allele frequency attached by ClinVar (database versions not stated): ExAC 0.00001; gnomAD exomes 0.00001.

Submissions (2):

Labcorp Genetics (formerly Invitae), Labcorp
Classification: Uncertain significance for Facioscapulohumeral muscular dystrophy 2. Last evaluated: 2025-10-26. Review status: criteria provided, single submitter. Criteria: Invitae Variant Classification Sherloc (09022015). Collection method: clinical testing. Allele origin: germline.
Comment: This sequence change replaces valine, which is neutral and non-polar, with alanine, which is neutral and non-polar, at codon 423 of the SMCHD1 protein (p.Val423Ala). This variant is present in population databases (rs762326009, gnomAD 0.009%). This variant has not been reported in the literature in individuals affected with SMCHD1-related conditions. ClinVar contains an entry for this variant (Variation ID: 2874408). Invitae Evidence Modeling of protein sequence and biophysical properties (such as structural, functional, and spatial information, amino acid conservation, physicochemical variation, residue mobility, and thermodynamic stability) indicates that this missense variant is expected to disrupt SMCHD1 protein function with a positive predictive value of 80%. In summary, the available evidence is currently insufficient to determine the role of this variant in disease. Therefore, it has been classified as a Variant of Uncertain Significance.

Ambry Genetics
Classification: Uncertain significance for Inborn genetic diseases. Last evaluated: 2024-02-26. Review status: criteria provided, single submitter. Criteria: Ambry Variant Classification Scheme 2023. Collection method: clinical testing. Allele origin: germline.

NM_015295.3(SMCHD1):c.1268T>C (p.Val423Ala)

Gene: SMCHD1 (structural maintenance of chromosomes flexible hinge domain containing 1; plus strand). Cytogenetic location: 18p11.32.
Variant type: single nucleotide variant.
Coding change: c.1268T>C on transcript NM_015295.3 (MANE Select); coding-DNA position 1268, T replaced by C.
Protein change: p.Val423Ala; replaces valine 423 with alanine.
Molecular consequence: missense variant.
Genome position (GRCh38, 1-based): chr18:2,697,967, T>C. VCF-style: chr18-2697967-T-C. GRCh37 (hg19) VCF-style: chr18-2697965-T-C.
Other names: c.1268T>C (NM_015295.2); short protein forms V423A.
Identifiers: ClinVar variation 2874408 (VCV002874408.4), dbSNP rs762326009, ClinGen allele CA8870716.
Genomic context (GRCh38, chr18:2,697,967, plus strand): 5'-ATGTAAACACAGCAGCTGATAGTTTTGAATTCAAAGCTCATGTTGAAGGAGATGGTGTAG[T>C]GGAAGGGATTATCCGTTATCATCCATTCTTATATGATAGAGAAACTTACCCTGATGATCC-3'
Protein context (NP_056110.2, residues 413-433): FKAHVEGDGV[Val423Ala]EGIIRYHPFL